The following is an entry in ClinVar:

NM_002618.4(PEX13):c.1052A>C (p.Gln351Pro)

Gene: PEX13 (peroxisomal biogenesis factor 13; plus strand). Cytogenetic location: 2p15.
Variant type: single nucleotide variant.
Coding change: c.1052A>C on transcript NM_002618.4 (MANE Select); coding-DNA position 1052, A replaced by C.
Protein change: p.Gln351Pro; replaces glutamine 351 with proline.
Molecular consequence: missense variant.
Genome position (GRCh38, 1-based): chr2:61,048,610, A>C. VCF-style: chr2-61048610-A-C. GRCh37 (hg19) VCF-style: chr2-61275745-A-C.
Other names: short protein forms Q351P.
Identifiers: ClinVar variation 3707499 (VCV003707499.2).
Genomic context (GRCh38, chr2:61,048,610, plus strand): 5'-TCAAAATTCTTGGCAAAAGAAAAGGTAGGAAAACGGTGGAATCAAGTAAAGTTTCCAAGC[A>C]GCAACAATCTTTTACCAACCCAACACTAACTAAAGGAGCCACGGTTGCTGATTCTTTGGA-3'
Protein context (NP_002609.1, residues 341-361): KTVESSKVSK[Gln351Pro]QQSFTNPTLT

ClinVar aggregate classification (germline): Uncertain significance (1 of 4 stars; one submission).

Conditions:
Peroxisome biogenesis disorder 11A (Zellweger). Also called: Peroxisome biogenesis disorder 11A. Identifiers: Orphanet 912, MedGen C3554000, MONDO:0013949, OMIM 614883.

gnomAD v4.1: 33 of 1,614,094 alleles (0.002%); highest among the groups gnomAD compares: Non-Finnish European, 0.0026%; no homozygotes.

Submission:

Labcorp Genetics (formerly Invitae), Labcorp
Classification: Uncertain significance for Peroxisome biogenesis disorder 11A (Zellweger). Last evaluated: 2024-02-07. Review status: criteria provided, single submitter. Criteria: Invitae Variant Classification Sherloc (09022015). Collection method: clinical testing. Allele origin: germline.
Comment: This sequence change replaces glutamine, which is neutral and polar, with proline, which is neutral and non-polar, at codon 351 of the PEX13 protein (p.Gln351Pro). This variant is present in population databases (no rsID available, gnomAD 0.002%). This variant has not been reported in the literature in individuals affected with PEX13-related conditions. Advanced modeling of protein sequence and biophysical properties (such as structural, functional, and spatial information, amino acid conservation, physicochemical variation, residue mobility, and thermodynamic stability) performed at Invitae indicates that this missense variant is not expected to disrupt PEX13 protein function with a negative predictive value of 80%. In summary, the available evidence is currently insufficient to determine the role of this variant in disease. Therefore, it has been classified as a Variant of Uncertain Significance.